The following is an entry in ClinVar:

NM_007294.4(BRCA1):c.5153-22G>A

Gene: BRCA1 (BRCA1 DNA repair associated; minus strand). Cytogenetic location: 17q21.31.
Variant type: single nucleotide variant.
Coding change: c.5153-22G>A on transcript NM_007294.4 (MANE Select); 22 bases into the intron before coding-DNA position 5153, G replaced by A.
Molecular consequence: intron variant.
Genome position (GRCh38, 1-based): chr17:43,063,395, C>T on the plus strand (G>A on the coding strand, the complement: BRCA1 is on the minus strand). VCF-style: chr17-43063395-C-T. GRCh37 (hg19) VCF-style: chr17-41215412-C-T.
Other names: c.5009-22G>A (NM_001407943.1, NM_001407748.1, NM_001407752.1 and 21 more transcripts); c.1580-22G>A (NM_001408500.1, NM_001408497.1, NM_001408496.1 and 3 more transcripts); c.4889-22G>A (NM_001407921.1, NM_001407926.1, NM_001407924.1 and 4 more transcripts); c.1700-22G>A (NM_001408466.1, NM_001408460.1, NM_001408465.1 and 7 more transcripts); c.1703-22G>A (NM_001408452.1, NM_001408457.1, NM_001408454.1 and 3 more transcripts); c.5006-22G>A (NM_001407850.1, NM_001407844.1, NM_001407851.1 and 12 more transcripts); c.5012-22G>A (NM_001407730.1, NM_001407692.1, NM_001407729.1 and 13 more transcripts); c.4883-22G>A (NM_001407934.1, NM_001407935.1, NM_001407936.1); and 72 more.
Identifiers: ClinVar variation 868738 (VCV000868738.3), dbSNP rs2051877698, ClinGen allele CA916080093.

Conditions:
Breast-ovarian cancer, familial, susceptibility to, 1 (BROVCA1). Also called: BRCA1 Hereditary Breast and Ovarian Cancer; OVARIAN CANCER, SUSCEPTIBILITY TO. Identifiers: Orphanet 145, MedGen C2676676, MONDO:0011450, OMIM 604370. Disease mechanism: loss of function.

Submission:

Brotman Baty Institute, University of Washington
No classification provided (evidence only). Condition: Breast-ovarian cancer, familial 1. Review status: no classification provided. Collection method: in vitro. Allele origin: not applicable. Functional consequence: functionally_normal.
ClinVar note: "not provided" was previously submitted as the classification for the variant. However, the classification appeared to be based only on an observation of functional data so it was converted to no classification on 2025-07-30.